The following is an entry in ClinVar:

NM_001378120.1(MBD5):c.3363_3365dup (p.Thr1122_Ser1123insThr)

Gene: MBD5 (methyl-CpG binding domain protein 5; plus strand). Cytogenetic location: 2q23.1.
Variant type: Duplication.
Coding change: c.3363_3365dup on transcript NM_001378120.1 (MANE Select); coding-DNA positions 3363 to 3365, 3 bases duplicated (TAC; older notation c.3363_3365dupTAC).
Protein change: p.Thr1122_Ser1123insThr.
Molecular consequence: intron variant (on NM_018328.5).
Genome position (GRCh38, 1-based): chr2:148,483,954-148,483,956, TAC duplicated; duplicating any 3 consecutive bases within chr2:148,483,952-148,483,956 gives the same sequence; the c. name uses the placement nearest the transcript's 3' end. VCF-style (leftmost placement, unchanged base first): chr2-148483951-C-CACT. GRCh37 (hg19) VCF-style: chr2-149241520-C-CACT.
Other names: c.3363_3365dup, p.Thr1122_Ser1123insThr (NM_001438854.1, NM_001438856.1, NM_001438857.1 and 1 more transcripts); c.2845+518_2845+520dup (NM_018328.5, NM_001438862.1, NM_001438860.1 and 3 more transcripts).
Identifiers: ClinVar variation 4537366 (VCV004537366.1).

ClinVar aggregate classification (germline): Uncertain significance (1 of 4 stars; one submission).

Conditions:
Intellectual developmental disorder, autosomal dominant 1. Also called: MBD5 Haploinsufficiency; Intellectual disability, autosomal dominant 1. Identifiers: Orphanet 228402, MedGen C1969562, MONDO:0007974, OMIM 156200.

Submission:

Genetics Department, Catlab
Classification: Uncertain significance for Intellectual developmental disorder, autosomal dominant 1. Last evaluated: 2025-07-21. Review status: criteria provided, single submitter. Criteria: ACMG Guidelines, 2015. Collection method: clinical testing. Allele origin: germline. Affected: yes. Observed: 1 variant allele.
Comment: The c.3363_3365dup variant in the MBD5 gene is an inframe changes that duplicates threonine at position 1122 of the proteina, adding one amino acid to the proteina (PM4_supporting). The variant has a very low allele frequency in gnomAD 4.1 ((AF=0.000001935) (PM2_moderate) The variant has not been previously found in patients to uor knowledge. With all the available evidence, the variant is classified as of uncertain significance.